The following is an entry in ClinVar:

ClinVar aggregate classification (germline): Likely pathogenic (1 of 4 stars; one submission).

Conditions:
Rare genetic deafness. Identifiers: Orphanet 96210, MedGen C5680250.

Submission:

Laboratory for Molecular Medicine, Mass General Brigham Personalized Medicine
Classification: Likely pathogenic for Rare genetic deafness. Last evaluated: 2015-06-02. Review status: criteria provided, single submitter. Criteria: LMM Criteria. Collection method: clinical testing. Allele origin: germline. Inheritance: Autosomal recessive inheritance. Observed: 1 variant allele.
Comment: The whole gene deletion of the SYNE4 gene has not been previously identified in individuals with hearing loss. Loss of function of the SYNE4 gene has been assoc iated with autosomal recessive hearing loss, based on a report describing two Ir aqi Jewish probands with hearing loss who had a homozygous frameshift variant in SYNE4, which segregated in 4 affected family members, and a knock-out mouse mod el that also displayed hearing loss (Horn 2013). In summary, although additional studies are required to fully establish the association between loss of functio n variants in SYNE4 and autosomal recessive sensorineural hearing loss, based on the available data this variant is likely pathogenic. Please note, the endpoint s of this deletion cannot be determined with this test and follow-up testing by chromosomal microarray may be able to assess the involvement of neighboring gene s.

Literature cited by the submitters: PubMed 23348741.

NM_001039876.1(SYNE4):c.(?_1)_(1215_?)del

Gene: SYNE4 (spectrin repeat containing nuclear envelope family member 4; minus strand). Cytogenetic location: 19q13.12.
Variant type: Deletion.
Coding change: c.(?_1)_(1215_?)del on transcript NM_001039876.1; a large deletion whose breakpoints are not mapped to the base.
Other names: c.(?_1)_(1215_?)del (NM_001039876.1).
Identifiers: ClinVar variation 228292 (VCV000228292.5).